The following is an entry in ClinVar:

NM_000455.5(STK11):c.375-2A>T

Gene: STK11 (serine/threonine kinase 11; plus strand). Cytogenetic location: 19p13.3.
Variant type: single nucleotide variant.
Coding change: c.375-2A>T on transcript NM_000455.5 (MANE Select); the canonical splice acceptor site of the intron before coding-DNA position 375, A replaced by T.
Molecular consequence: splice acceptor variant.
Genome position (GRCh38, 1-based): chr19:1,219,322, A>T. VCF-style: chr19-1219322-A-T. GRCh37 (hg19) VCF-style: chr19-1219321-A-T.
Other names: c.375-2A>T (NM_001407255.1).
Identifiers: ClinVar variation 3450562 (VCV003450562.1).

ClinVar aggregate classification (germline): Uncertain significance (1 of 4 stars; one submission).

Conditions:
Hereditary cancer-predisposing syndrome. Also called: Tumor predisposition; Neoplastic Syndromes, Hereditary; Hereditary neoplastic syndrome; Hereditary Cancer Syndrome. Identifiers: Orphanet 140162, MedGen C0027672, MeSH D009386, MONDO:0015356.

Submission:

Ambry Genetics
Classification: Uncertain significance for Hereditary cancer-predisposing syndrome. Last evaluated: 2024-08-21. Review status: criteria provided, single submitter. Criteria: Ambry Variant Classification Scheme 2023. Collection method: clinical testing. Allele origin: germline.
Comment: The c.375-2A>T intronic variant results from an A to T substitution two nucleotides upstream from coding exon 3 in the STK11 gene. This nucleotide position is highly conserved in available vertebrate species. This alteration is located within a U12-type intron and in silico tools are not reliable predictors of splice sites in this type of intron. Based on the available evidence, the clinical significance of this variant remains unclear.